The following is an entry in ClinVar:

NM_001369.3(DNAH5):c.3262+1G>A

Genes: DNAH5 (dynein axonemal heavy chain 5; minus strand), DNAH5-AS1 (DNAH5 antisense RNA 1; plus strand). Cytogenetic location: 5p15.2.
Variant type: single nucleotide variant.
Coding change: c.3262+1G>A on transcript NM_001369.3 (MANE Select); the canonical splice donor site of the intron after coding-DNA position 3262, G replaced by A.
Molecular consequence: splice donor variant.
Genome position (GRCh38, 1-based): chr5:13,882,727, C>T on the plus strand (G>A on the coding strand, the complement: DNAH5 is on the minus strand). VCF-style: chr5-13882727-C-T. GRCh37 (hg19) VCF-style: chr5-13882836-C-T.
Identifiers: ClinVar variation 1502803 (VCV001502803.7), dbSNP rs757275351, ClinGen allele CA359191585.

ClinVar aggregate classification (germline): Likely pathogenic. Review status: criteria provided, multiple submitters, no conflicts (2 of 4 stars). 2 submissions from 2 submitters: Likely pathogenic (2). Last evaluated 2025-08-18.

Conditions:
Primary ciliary dyskinesia 3. Identifiers: Orphanet 244, MedGen C1837618, MONDO:0012085, OMIM 608644.
Primary ciliary dyskinesia. Also called: Ciliary dyskinesia. Identifiers: Orphanet 244, MedGen C0008780, MONDO:0016575, HP:0012265.

Allele frequency attached by ClinVar (database versions not stated): TOPMed below 0.00001.

Submissions (2):

Myriad Genetics, Inc.
Classification: Likely pathogenic for Primary ciliary dyskinesia 3. Last evaluated: 2025-08-18. Review status: criteria provided, single submitter. Criteria: Myriad Autosomal Dominant, Autosomal Recessive and X-Linked Classification Criteria (2023). Collection method: clinical testing. Allele origin: unknown.
Comment: NM_001369.2(DNAH5):c.3262+1G>A is a variant in a canonical splice site classified as likely pathogenic in the context of primary ciliary dyskinesia, DNAH5-related. c.3262+1G>A has not been observed in cases with relevant disease. Relevant functional assessments of this variant are not available in the literature. c.3262+1G>A has not been observed in referenced population frequency databases. In summary, NM_001369.2(DNAH5):c.3262+1G>A is a variant in a canonical splice site in a gene where loss of function is a known mechanism of disease and is predicted to disrupt protein function. Please note: this variant was assessed in the context of healthy population screening.

Labcorp Genetics (formerly Invitae), Labcorp
Classification: Likely pathogenic for Primary ciliary dyskinesia. Last evaluated: 2021-08-03. Review status: criteria provided, single submitter. Criteria: Invitae Variant Classification Sherloc (09022015). Collection method: clinical testing. Allele origin: germline.
Comment: This sequence change affects a donor splice site in intron 21 of the DNAH5 gene. It is expected to disrupt RNA splicing. Variants that disrupt the donor or acceptor splice site typically lead to a loss of protein function (PMID: 16199547), and loss-of-function variants in DNAH5 are known to be pathogenic (PMID: 11788826, 16627867). Algorithms developed to predict the effect of sequence changes on RNA splicing suggest that this variant may disrupt the consensus splice site. This variant has not been reported in the literature in individuals affected with DNAH5-related conditions. In summary, the currently available evidence indicates that the variant is pathogenic, but additional data are needed to prove that conclusively. Therefore, this variant has been classified as Likely Pathogenic. This variant is not present in population databases (ExAC no frequency).

Literature cited by the submitters: PubMed 16199547 (cited by Labcorp Genetics (formerly Invitae), Labcorp); PubMed 11788826 (cited by Labcorp Genetics (formerly Invitae), Labcorp); PubMed 16627867 (cited by Labcorp Genetics (formerly Invitae), Labcorp).